The following is an entry in ClinVar:

NM_022552.5(DNMT3A):c.2495C>T (p.Thr832Ile)

Gene: DNMT3A (DNA methyltransferase 3 alpha; minus strand). Cytogenetic location: 2p23.3.
Variant type: single nucleotide variant.
Coding change: c.2495C>T on transcript NM_022552.5 (MANE Select); coding-DNA position 2495, C replaced by T.
Protein change: p.Thr832Ile; replaces threonine 832 with isoleucine.
Molecular consequence: missense variant. On other transcripts: non-coding transcript variant (1).
Genome position (GRCh38, 1-based): chr2:25,235,809, G>A on the plus strand (C>T on the coding strand, the complement: DNMT3A is on the minus strand). VCF-style: chr2-25235809-G-A. GRCh37 (hg19) VCF-style: chr2-25458678-G-A.
Other names: c.2495C>T, p.Thr832Ile (NM_175629.2); c.2039C>T, p.Thr680Ile (NM_001320893.1); c.1826C>T, p.Thr609Ile (NM_001375819.1); c.1928C>T, p.Thr643Ile (NM_153759.3); short protein forms T643I, T832I, T680I, T609I.
Identifiers: ClinVar variation 648721 (VCV000648721.9), dbSNP rs1573297136, ClinGen allele CA346068830.

ClinVar aggregate classification (germline): Likely pathogenic (1 of 4 stars; one submission).

Conditions:
Tatton-Brown-Rahman overgrowth syndrome. Also called: Tatton-Brown-Rahman syndrome; Tall stature-intellectual disability-facial dysmorphism syndrome. Identifiers: Orphanet 404443, MedGen C4014545, MONDO:0014382, OMIM 615879.

Submission:

Labcorp Genetics (formerly Invitae), Labcorp
Classification: Likely pathogenic for Tatton-Brown-Rahman overgrowth syndrome. Last evaluated: 2018-12-06. Review status: criteria provided, single submitter. Criteria: Invitae Variant Classification Sherloc (09022015). Collection method: clinical testing. Allele origin: germline.
Comment: Algorithms developed to predict the effect of missense changes on protein structure and function are either unavailable or do not agree on the potential impact of this missense change (SIFT: "Deleterious"; PolyPhen-2: "Probably Damaging"; Align-GVGD: "Class C0"). This variant is not present in population databases (ExAC no frequency). This sequence change replaces threonine with isoleucine at codon 832 of the DNMT3A protein (p.Thr832Ile). The threonine residue is highly conserved and there is a moderate physicochemical difference between threonine and isoleucine. In summary, the currently available evidence indicates that the variant is pathogenic, but additional data are needed to prove that conclusively. Therefore, this variant has been classified as Likely Pathogenic.